The following continues an entry in ClinVar:

NM_003104.6(SORD):c.757del (p.Ala253fs)

Gene: SORD. ClinVar aggregate classification (germline): Pathogenic/Likely pathogenic. Pathogenic (34); Likely pathogenic (4).

Submissions 13 to 30 of 42:

Blueprint Genetics
Classification: Pathogenic for SORD-related disorders. Last evaluated: 2024-11-21. Review status: criteria provided, single submitter. Criteria: ACMG Guidelines, 2015. Collection method: clinical testing. Allele origin: de novo. Affected: yes. Observed: 5 variant alleles.

Genomic Medicine Center of Excellence, King Faisal Specialist Hospital and Research Centre
Classification: Likely pathogenic for Neuronopathy, distal hereditary motor, autosomal recessive 8. Last evaluated: 2024-03-26. Review status: criteria provided, single submitter. Criteria: ACMG Guidelines, 2015. Collection method: clinical testing. Allele origin: germline.

Institute of Immunology and Genetics Kaiserslautern
Classification: Pathogenic for Neuronopathy, distal hereditary motor, autosomal recessive 8. Last evaluated: 2024-03-06. Review status: criteria provided, single submitter. Criteria: ACMG Guidelines, 2015. Collection method: clinical testing. Allele origin: germline. Affected: yes.
Comment: ACMG Criteria: PVS1, PM3, PP4, PP5; Variant was found in heterozygous state

Baylor Genetics
Classification: Likely pathogenic for Neuronopathy, distal hereditary motor, autosomal recessive 8. Last evaluated: 2023-12-16. Review status: criteria provided, single submitter. Criteria: ACMG Guidelines, 2015. Collection method: clinical testing. Allele origin: unknown.

Institute of Human Genetics, University of Leipzig Medical Center
Classification: Pathogenic for Neuronopathy, distal hereditary motor, autosomal recessive 8. Last evaluated: 2023-11-16. Review status: criteria provided, single submitter. Criteria: ACMG Guidelines, 2015. Collection method: clinical testing. Allele origin: paternal. Inheritance: Autosomal recessive inheritance. Affected: yes.
Comment: Criteria applied: PVS1,PM3_VSTR,PS3,PP4; Identified as compund heterozygous with NM_003104.6:c.50C>T

Department of Pathology and Laboratory Medicine, Sinai Health System
Classification: Pathogenic for Neuronopathy, distal hereditary motor, autosomal recessive 8. Last evaluated: 2023-09-28. Review status: criteria provided, single submitter. Criteria: ACMG Guidelines, 2015. Collection method: research. Allele origin: germline.

Kariminejad - Najmabadi Pathology & Genetics Center
Classification: Pathogenic for Neuronopathy, distal hereditary motor, autosomal recessive 8. Last evaluated: 2023-03-16. Review status: criteria provided, single submitter. Criteria: ACMG Guidelines, 2015. Collection method: clinical testing. Allele origin: germline. Inheritance: Autosomal recessive inheritance. Affected: yes. Observed: 3 variant alleles.
Comment: Not Provided

Institute of Human Genetics Munich, TUM University Hospital
Classification: Pathogenic for Neuronopathy, distal hereditary motor, autosomal recessive 8. Last evaluated: 2023-03-08. Review status: criteria provided, single submitter. Criteria: Classification criteria August 2017. Collection method: clinical testing. Allele origin: germline, inherited. Inheritance: Autosomal recessive inheritance. Affected: yes. Observed: 2 variant alleles.

Nutriplexity
Classification: Pathogenic for Idiopathic environmental intolerance. Last evaluated: 2022-11-29. Review status: criteria provided, single submitter. Criteria: ACMG Guidelines, 2015. Collection method: clinical testing. Allele origin: unknown. Inheritance: Semidominant inheritance. Affected: yes. Observed: 1 heterozygote.
Comment: The SORD gene encodes sorbitol dehydrogenase which oxidizes sorbitol to fructose using NAD+. Elevations of blood glucose result in high blood and tissue sorbitol levels. Sorbitol build-up results in the depletion of glutathione (PMID 8622605). An altered redox profile and depletion of glutathione is characteristic of chemical sensitivity (20430047).

Genetics and Molecular Pathology, SA Pathology
Classification: Pathogenic for Neuronopathy, distal hereditary motor, autosomal recessive 8. Last evaluated: 2022-10-17. Review status: criteria provided, single submitter. Criteria: ACMG Guidelines, 2015. Collection method: clinical testing. Allele origin: germline. Inheritance: Autosomal recessive inheritance. Affected: yes.
Comment: The SORD c.757del variant is classified as PATHOGENIC (PVS1, PS2, PS3, PS4) This SORD c.757del variant is located in exon 7/9 and is predicted to cause a shift in the reading frame at codon 253. This recurrent variant has been reported in multiple probands with a clinical presentation of hereditary neuropathy in both homozygous and compound heterozygous state (PMID:32367058; PMID:33875678; PMID:33381078). (PS4, PM3). Functional studies have shown a significant reduction in SORD mRNA and protein levels (PMID:32367058) (PS3). This variant has been reported in dbSNP (rs55901542) and in the HGMD database: CD2011533. It has been reported as Pathogenic/Likely pathogenic by other diagnostic laboratories (ClinVar Variation ID: 929258).

Institute for Clinical Genetics, University Hospital TU Dresden, University Hospital TU Dresden
Classification: Pathogenic. Last evaluated: 2022-07-18. Review status: criteria provided, single submitter. Criteria: ACMG Guidelines, 2015. Collection method: clinical testing. Allele origin: germline.
Comment: PVS1, PS3

MGZ Medical Genetics Center
Classification: Pathogenic for Neuronopathy, distal hereditary motor, autosomal recessive 8. Last evaluated: 2022-06-28. Review status: criteria provided, single submitter. Criteria: ACMG Guidelines, 2015. Collection method: clinical testing. Allele origin: germline. Affected: yes. Observed: 9 variant alleles.
Comment: ACMG criteria applied: PVS1, PM3_VSTR, PS3_MOD, PS4_MOD, PM2_SUP

Department of Human Genetics, Hannover Medical School
Classification: Likely pathogenic for Neuronopathy, distal hereditary motor, autosomal recessive 8. Last evaluated: 2022-06-17. Review status: criteria provided, single submitter. Criteria: ACMG Guidelines, 2015. Collection method: clinical testing. Allele origin: germline. Inheritance: Autosomal recessive inheritance. Affected: yes.

Laboratorio de Genetica e Diagnostico Molecular, Hospital Israelita Albert Einstein
Classification: Pathogenic for Neuronopathy, distal hereditary motor, autosomal recessive 8. Last evaluated: 2022-03-30. Review status: criteria provided, single submitter. Criteria: ACMG Guidelines, 2015. Collection method: clinical testing. Allele origin: germline. Affected: yes. Observed: 1 variant allele.
Comment: ACMG classification criteria: PVS1 very strong, PS3 supporting, PM3 strong, PP1 moderated

Victorian Clinical Genetics Services, Murdoch Childrens Research Institute
Classification: Pathogenic for Neuronopathy, distal hereditary motor, autosomal recessive 8. Last evaluated: 2022-02-02. Review status: criteria provided, single submitter. Criteria: ACMG Guidelines, 2015. Collection method: clinical testing. Allele origin: germline. Inheritance: Autosomal recessive inheritance.
Comment: Based on the classification scheme VCGS_Germline_v1.3.4, this variant is classified as Pathogenic. Following criteria are met: 0102 - Loss of function is a known mechanism of disease in this gene and is associated with sorbitol dehydrogenase deficiency with peripheral neuropathy (MIM#618912). (I) 0106 - This gene is associated with autosomal recessive disease. (I) 0201 - Variant is predicted to cause nonsense-mediated decay (NMD) and loss of protein (premature termination codon is located at least 54 nucleotides upstream of the final exon-exon junction). (SP) 0252 - This variant is homozygous. (I) 0304 - Variant is present in gnomAD (v3) <0.01 for a recessive condition (661 heterozygotes, 1 homozygote). (SP) 0703 - Other NMD-predicted variants comparable to the one identified in this case have moderate previous evidence for pathogenicity. At least four others have been reported so far (ClinVar, PMID: 32367058, 33875678). (SP) 0801 - This variant has strong previous evidence of pathogenicity in unrelated individuals. This variant has been reported as pathogenic (ClinVar) and reported in over thirty unrelated families with hereditary neuropathy (PMID: 32367058). (SP) 1209 - This variant has been shown to be both maternally and paternally inherited (biallelic) (LABID). (I) Legend: (SP) - Supporting pathogenic, (I) - Information, (SB) - Supporting benign

Women's Health and Genetics/Laboratory Corporation of America, LabCorp
Classification: Pathogenic for Neuronopathy, distal hereditary motor, autosomal recessive 8. Last evaluated: 2021-11-16. Review status: criteria provided, single submitter. Criteria: LabCorp Variant Classification Summary - May 2015. Collection method: clinical testing. Allele origin: germline.
Comment: Variant summary: SORD c.757delG (p.Ala253GlnfsX27) results in a premature termination codon, predicted to cause a truncation of the encoded protein or absence of the protein due to nonsense mediated decay (NMD), which are commonly known mechanisms for disease. The variant allele was found at a frequency of 0.00041 in 277146 control chromosomes in the gnomAD v2.1.1 database, including 1 homozygote. However, this observation needs to be cautiously considered due to the possibility of the SORD pseudogene being captured. c.757delG has been reported in the literature in multiple homozygous and compound heterozygous individuals affected with hereditary neuropathy (e.g. Cortese_2020, Xie_2020, Dong_2021, Lassuthova_2021). These data indicate that the variant is very likely to be associated with disease. Experimental evidence demonstrated the variant causes a significant reduction in SORD mRNA expression levels and protein levels, indicating a NMD mechanism and loss of function of the SORD gene (Cortese_2020, Dong_2021). Six ClinVar submitters (evaluation after 2014) cite the variant as pathogenic. Based on the evidence outlined above, the variant was classified as pathogenic.

Institute of Medical Genetics and Applied Genomics, University Hospital Tübingen
Classification: Pathogenic. Last evaluated: 2021-09-15. Review status: criteria provided, single submitter. Criteria: ACMG Guidelines, 2015. Collection method: clinical testing. Allele origin: germline. Inheritance: Autosomal recessive inheritance. Affected: yes.

GeneDx
Classification: Pathogenic. Last evaluated: 2021-07-10. Review status: criteria provided, single submitter. Criteria: GeneDx Variant Classification Process June 2021. Collection method: clinical testing. Allele origin: germline. Affected: yes.
Comment: Frameshift variant predicted to result in protein truncation or nonsense mediated decay in a gene for which loss-of-function is a known mechanism of disease; This variant is associated with the following publications: (PMID: 32367057, 32367058, 33381078, 33314640)